The following is an entry in ClinVar:

ClinVar aggregate classification (germline): Uncertain significance (1 of 4 stars; one submission).

gnomAD v4.1: 1 of 1,185,900 alleles (0.000084%); highest among the groups gnomAD compares: Non-Finnish European, 0.00011%; no homozygotes.

Submission:

Labcorp Genetics (formerly Invitae), Labcorp
Classification: Uncertain significance. Last evaluated: 2022-06-27. Review status: criteria provided, single submitter. Criteria: Invitae Variant Classification Sherloc (09022015). Collection method: clinical testing. Allele origin: germline.
Comment: In summary, the available evidence is currently insufficient to determine the role of this variant in disease. Therefore, it has been classified as a Variant of Uncertain Significance. Algorithms developed to predict the effect of missense changes on protein structure and function are either unavailable or do not agree on the potential impact of this missense change (SIFT: "Not Available"; PolyPhen-2: "Probably Damaging"; Align-GVGD: "Not Available"). This variant has not been reported in the literature in individuals affected with PAK3-related conditions. This variant is not present in population databases (gnomAD no frequency). This sequence change replaces alanine, which is neutral and non-polar, with threonine, which is neutral and polar, at codon 475 of the PAK3 protein (p.Ala475Thr).

NM_002578.5(PAK3):c.1423G>A (p.Ala475Thr)

Gene: PAK3 (p21 (RAC1) activated kinase 3; plus strand). Cytogenetic location: Xq23.
Variant type: single nucleotide variant.
Coding change: c.1423G>A on transcript NM_002578.5 (MANE Select); coding-DNA position 1423, G replaced by A.
Protein change: p.Ala475Thr; replaces alanine 475 with threonine.
Molecular consequence: missense variant. On other transcripts: non-coding transcript variant (2).
Genome position (GRCh38, 1-based): chrX:111,216,436, G>A. VCF-style: chrX-111216436-G-A. GRCh37 (hg19) VCF-style: chrX-110459664-G-A.
Other names: c.1423G>A, p.Ala475Thr (NM_001128166.3, NM_001128167.3, NM_001324325.2 and 5 more transcripts); c.1531G>A, p.Ala511Thr (NM_001128168.3); c.1486G>A, p.Ala496Thr (NM_001128172.2); c.1468G>A, p.Ala490Thr (NM_001128173.3, NM_001324327.2, NM_001324328.2 and 2 more transcripts); short protein forms A490T, A496T, A511T, A475T.
Identifiers: ClinVar variation 1361856 (VCV001361856.6), dbSNP rs2149397715, ClinGen allele CA414241880.
Genomic context (GRCh38, chrX:111,216,436, plus strand): 5'-TTTAATATGTATGTGCTGAATGGATTTTTCTATTTTTTTCTACAGGCATTGTATCTGATA[G>A]CCACTAATGGAACTCCAGAGCTCCAGAATCCTGAGAGACTGTCAGCTGTATTCCGTGACT-3'
Protein context (NP_002569.1, residues 465-485): ENPLRALYLI[Ala475Thr]TNGTPELQNP